The following is an entry in ClinVar:

NM_003873.7(NRP1):c.157A>G (p.Lys53Glu)

Gene: NRP1 (neuropilin 1; minus strand). Cytogenetic location: 10p11.22.
Variant type: single nucleotide variant.
Coding change: c.157A>G on transcript NM_003873.7 (MANE Select); coding-DNA position 157, A replaced by G.
Protein change: p.Lys53Glu; replaces lysine 53 with glutamic acid.
Molecular consequence: missense variant. On other transcripts: non-coding transcript variant (1).
Genome position (GRCh38, 1-based): chr10:33,330,799, T>C on the plus strand (A>G on the coding strand, the complement: NRP1 is on the minus strand). VCF-style: chr10-33330799-T-C. GRCh37 (hg19) VCF-style: chr10-33619727-T-C.
Other names: c.157A>G, p.Lys53Glu (NM_001024628.3, NM_001024629.3, NM_001244972.2 and 2 more transcripts); short protein forms K53E.
Identifiers: ClinVar variation 4987946 (VCV004987946.1).

ClinVar aggregate classification (germline): Uncertain significance (1 of 4 stars; one submission).

Conditions:
NRP1-related disorder. Also called: NRP1-related condition.

gnomAD v4.1: 5 of 1,613,826 alleles (0.00031%); highest among the groups gnomAD compares: Admixed American, 0.0017%; no homozygotes.

Submission:

PreventionGenetics, part of Exact Sciences
Classification: Uncertain significance for NRP1-related condition. Last evaluated: 2026-05-29. Review status: criteria provided, single submitter. Criteria: ACMG Guidelines, 2015. Collection method: clinical testing. Allele origin: germline.
Comment: The NRP1 c.157A>G variant is predicted to result in the amino acid substitution p.Lys53Glu. To our knowledge, this variant has not been reported in the literature. This variant is reported in 0.00088% of alleles in individuals of European (Non-Finnish) descent in gnomAD. At this time, the clinical significance of this variant is uncertain due to the absence of conclusive functional and genetic evidence.